The following is an entry in ClinVar:

ClinVar aggregate classification (germline): Uncertain significance (1 of 4 stars; one submission).

Allele frequency attached by ClinVar (database versions not stated): gnomAD 0.00001.
gnomAD v4.1: 1 of 1,613,342 alleles (0.000062%); highest among the groups gnomAD compares: African/African-American, 0.0013%; no homozygotes.

Submission:

Ambry Genetics
Classification: Uncertain significance. Last evaluated: 2022-03-19. Review status: criteria provided, single submitter. Criteria: Ambry Variant Classification Scheme 2023. Collection method: clinical testing. Allele origin: germline.
Comment: The p.S1225N variant (also known as c.3674G>A), located in coding exon 16 of the POLQ gene, results from a G to A substitution at nucleotide position 3674. The serine at codon 1225 is replaced by asparagine, an amino acid with highly similar properties. This amino acid position is conserved. In addition, this alteration is predicted to be tolerated by in silico analysis. Since supporting evidence is limited at this time, the clinical significance of this alteration remains unclear.

NM_199420.4(POLQ):c.3674G>A (p.Ser1225Asn)

Gene: POLQ (DNA polymerase theta; minus strand). Cytogenetic location: 3q13.33.
Variant type: single nucleotide variant.
Coding change: c.3674G>A on transcript NM_199420.4 (MANE Select); coding-DNA position 3674, G replaced by A.
Protein change: p.Ser1225Asn; replaces serine 1225 with asparagine.
Molecular consequence: missense variant.
Genome position (GRCh38, 1-based): chr3:121,489,257, C>T on the plus strand (G>A on the coding strand, the complement: POLQ is on the minus strand). VCF-style: chr3-121489257-C-T. GRCh37 (hg19) VCF-style: chr3-121208104-C-T.
Other names: short protein forms S1225N.
Identifiers: ClinVar variation 1733819 (VCV001733819.2), dbSNP rs2048042240, ClinGen allele CA354098135.